The following is an entry in ClinVar:

ClinVar aggregate classification (germline): Pathogenic (1 of 4 stars; one submission).

Submission:

Quest Diagnostics Nichols Institute San Juan Capistrano
Classification: Pathogenic. Last evaluated: 2024-06-19. Review status: criteria provided, single submitter. Criteria: ACMG/ClinGen CNV Guidelines, 2019. Collection method: clinical testing. Allele origin: unknown.
Comment: This copy number loss involves multiple protein-coding genes and overlaps the 1q21.1 deletion syndromic region (ISCA-37421; OMIM 612474). De novo and inherited deletions of this locus have been associated with a broad range of features (Haldeman-Englert 2015), with incomplete penetrance and variable expressivity. Therefore, this copy number variant is classified as pathogenic. Reference: Haldeman-Englert et al., GeneReviews [2015 Nov 12]. PMID: 21348049

GRCh37/hg19 1q21.1-21.2(chr1:145770680-147929323)x1

Genes: ACP6 (acid phosphatase 6, lysophosphatidic; minus strand), BCL9 (BCL9 transcription coactivator; plus strand), CHD1L (chromodomain helicase DNA binding protein 1 like; plus strand), FMO5 (flavin containing dimethylaniline monoxygenase 5; minus strand), GJA5 (gap junction protein alpha 5; minus strand) and 6 more. Cytogenetic location: 1q21.1-21.2.
Variant type: copy number loss.
Change: copy number 1 (one copy instead of two) of chr1:145,770,680-147,929,323 (2.16 Mb, GRCh37 coordinates, 1-based), cytogenetic band 1q21.1-21.2.
Identifiers: ClinVar variation 1808713 (VCV001808713.1).